The following is an entry in ClinVar:

ClinVar aggregate classification (germline): Uncertain significance (1 of 4 stars; one submission).

Conditions:
Idiopathic Pulmonary Fibrosis. Also called: Idiopathic fibrosing alveolitis, chronic form; idiopathic fibrosing alveolitis. Identifiers: Orphanet 2032, MedGen C1800706, MeSH D054990, MONDO:0800504.
Dyskeratosis congenita, autosomal dominant 2. Identifiers: MedGen C3151443, MONDO:0013521, OMIM 613989.

Allele frequency attached by ClinVar (database versions not stated): gnomAD exomes below 0.00001.
gnomAD v4.1: 1 of 1,549,222 alleles (0.000065%); highest among the groups gnomAD compares: Admixed American, 0.002%; no homozygotes.

Submission:

Labcorp Genetics (formerly Invitae), Labcorp
Classification: Uncertain significance for Dyskeratosis congenita, autosomal dominant 2; Idiopathic Pulmonary Fibrosis. Last evaluated: 2022-01-11. Review status: criteria provided, single submitter. Criteria: Invitae Variant Classification Sherloc (09022015). Collection method: clinical testing. Allele origin: germline.
Comment: This sequence change replaces cysteine, which is neutral and slightly polar, with serine, which is neutral and polar, at codon 426 of the TERT protein (p.Cys426Ser). This variant is not present in population databases (gnomAD no frequency). This variant has not been reported in the literature in individuals affected with TERT-related conditions. Advanced modeling of protein sequence and biophysical properties (such as structural, functional, and spatial information, amino acid conservation, physicochemical variation, residue mobility, and thermodynamic stability) performed at Invitae indicates that this missense variant is not expected to disrupt TERT protein function. In summary, the available evidence is currently insufficient to determine the role of this variant in disease. Therefore, it has been classified as a Variant of Uncertain Significance.

NM_198253.3(TERT):c.1277G>C (p.Cys426Ser)

Gene: TERT (telomerase reverse transcriptase; minus strand). Cytogenetic location: 5p15.33.
Variant type: single nucleotide variant.
Coding change: c.1277G>C on transcript NM_198253.3 (MANE Select); coding-DNA position 1277, G replaced by C.
Protein change: p.Cys426Ser; replaces cysteine 426 with serine.
Molecular consequence: missense variant. On other transcripts: non-coding transcript variant (2).
Genome position (GRCh38, 1-based): chr5:1,293,609, C>G on the plus strand (G>C on the coding strand, the complement: TERT is on the minus strand). VCF-style: chr5-1293609-C-G. GRCh37 (hg19) VCF-style: chr5-1293724-C-G.
Other names: c.1277G>C, p.Cys426Ser (NM_001193376.3, NM_003219.1); short protein forms C426S.
Identifiers: ClinVar variation 1905253 (VCV001905253.5), dbSNP rs2478412183, ClinGen allele CA359086385.